The following is an entry in ClinVar:

NM_002860.4(ALDH18A1):c.1322G>A (p.Arg441Gln)

Gene: ALDH18A1 (aldehyde dehydrogenase 18 family member A1; minus strand). Cytogenetic location: 10q24.1.
Variant type: single nucleotide variant.
Coding change: c.1322G>A on transcript NM_002860.4 (MANE Select); coding-DNA position 1322, G replaced by A.
Protein change: p.Arg441Gln; replaces arginine 441 with glutamine.
Molecular consequence: missense variant.
Genome position (GRCh38, 1-based): chr10:95,621,176, C>T on the plus strand (G>A on the coding strand, the complement: ALDH18A1 is on the minus strand). VCF-style: chr10-95621176-C-T. GRCh37 (hg19) VCF-style: chr10-97380933-C-T.
Other names: c.1316G>A, p.Arg439Gln (NM_001017423.2, NM_001323415.2); c.989G>A, p.Arg330Gln (NM_001323412.2, NM_001323416.2); c.1322G>A, p.Arg441Gln (NM_001323413.2, NM_001323414.2); c.1217G>A, p.Arg406Gln (NM_001323417.2); c.983G>A, p.Arg328Gln (NM_001323418.2); c.686G>A, p.Arg229Gln (NM_001323419.2); short protein forms R330Q, R439Q, R441Q, R229Q, R328Q, R406Q.
Identifiers: ClinVar variation 2058729 (VCV002058729.4), dbSNP rs2097851847, ClinGen allele CA377701572.
Genomic context (GRCh38, chr10:95,621,176, plus strand): 5'-GCGATTCGGGTGCGGCGCAAAACACGTCCCACGCTGTCCTGGGAGGAGGCTGCGATCTGT[C>T]GCAGACCGATGGCCAGGCTGTTCAATTTGGATGTGGAGAGGCTTAAACGTTTCAGCAGAG-3'
Protein context (NP_002851.2, residues 431-451): SKLNSLAIGL[Arg441Gln]QIAASSQDSV

ClinVar aggregate classification (germline): Uncertain significance (1 of 4 stars; one submission).

Conditions:
Autosomal dominant spastic paraplegia type 9. Identifiers: MedGen C1832669, MONDO:0015091.
de Barsy syndrome. Also called: Cutis laxa-corneal clouding-oligophrenia syndrome. Identifiers: Orphanet 2962, MedGen C0268354, MONDO:0017569.
Cutis laxa, autosomal dominant 3 (ADCL3). Identifiers: Orphanet 90348, MedGen C4225268, MONDO:0014706, OMIM 616603.

Allele frequency attached by ClinVar (database versions not stated): gnomAD exomes below 0.00001; gnomAD 0.00001.
gnomAD v4.1: 9 of 1,613,994 alleles (0.00056%); highest among the groups gnomAD compares: South Asian, 0.0033%; no homozygotes.

Submission:

Labcorp Genetics (formerly Invitae), Labcorp
Classification: Uncertain significance for Autosomal dominant spastic paraplegia type 9; de Barsy syndrome; Cutis laxa, autosomal dominant 3. Last evaluated: 2026-01-12. Review status: criteria provided, single submitter. Criteria: Invitae Variant Classification Sherloc (09022015). Collection method: clinical testing. Allele origin: germline.
Comment: This sequence change replaces arginine, which is basic and polar, with glutamine, which is neutral and polar, at codon 441 of the ALDH18A1 protein (p.Arg441Gln). This variant is not present in population databases (gnomAD no frequency). This variant has not been reported in the literature in individuals affected with ALDH18A1-related conditions. ClinVar contains an entry for this variant (Variation ID: 2058729). Invitae Evidence Modeling of protein sequence and biophysical properties (such as structural, functional, and spatial information, amino acid conservation, physicochemical variation, residue mobility, and thermodynamic stability) has been performed for this missense variant. However, the output from this modeling did not meet the statistical confidence thresholds required to predict the impact of this variant on ALDH18A1 protein function. In summary, the available evidence is currently insufficient to determine the role of this variant in disease. Therefore, it has been classified as a Variant of Uncertain Significance.